The following is an entry in ClinVar:

ClinVar aggregate classification (germline): Uncertain significance (1 of 4 stars; one submission).

Allele frequency attached by ClinVar (database versions not stated): gnomAD exomes below 0.00001.
gnomAD v4.1: 1 of 1,612,160 alleles (0.000062%); highest among the groups gnomAD compares: Non-Finnish European, 0.000085%; no homozygotes.

Submission:

Laboratory for Molecular Medicine, Mass General Brigham Personalized Medicine
Classification: Uncertain significance. Last evaluated: 2015-06-25. Review status: criteria provided, single submitter. Criteria: LMM Criteria. Collection method: clinical testing. Allele origin: germline. Observed: 1 variant allele.
Comment: The p.Ser4872Cys variant in TTN has not been previously reported in individuals with cardiomyopathy and was absent from large population studies. Computational prediction tools and conservation analysis are limited or unavailable for this v ariant. In summary, the clinical significance of the p.Ser4872Cys variant is unc ertain.

NM_133379.5(TTN):c.14615C>G (p.Ser4872Cys)

Genes: TTN (titin; minus strand), LOC126806432 (CDK7 strongly-dependent group 2 enhancer GRCh37_chr2:179611985-179613184; plus strand). Cytogenetic location: 2q31.2.
Variant type: single nucleotide variant.
Coding change: c.14615C>G on transcript NM_133379.5; coding-DNA position 14615, C replaced by G.
Protein change: p.Ser4872Cys; replaces serine 4872 with cysteine.
Molecular consequence: missense variant. On other transcripts: intron variant (6).
Genome position (GRCh38, 1-based): chr2:178,747,785, G>C on the plus strand (C>G on the coding strand, the complement: TTN is on the minus strand). VCF-style: chr2-178747785-G-C. GRCh37 (hg19) VCF-style: chr2-179612512-G-C.
Other names: c.10222+5339C>G (NM_003319.4); c.10798+5339C>G (NM_133437.4); c.10597+5339C>G (NM_133432.3); c.10360+5339C>G (NM_133378.4, NM_001256850.1); c.11311+5339C>G (NM_001267550.2); short protein forms S4872C.
Identifiers: ClinVar variation 229585 (VCV000229585.5), dbSNP rs876658105, ClinGen allele CA10576564.